The following is an entry in ClinVar:

ClinVar aggregate classification (germline): Uncertain significance. Review status: criteria provided, multiple submitters, no conflicts (2 of 4 stars). 5 submissions from 5 submitters: Uncertain significance (5). Last evaluated 2026-01-13.

Conditions:
Hereditary cancer-predisposing syndrome. Also called: Neoplastic Syndromes, Hereditary; Hereditary Cancer Syndrome; Hereditary neoplastic syndrome; Tumor predisposition. Identifiers: Orphanet 140162, MedGen C0027672, MeSH D009386, MONDO:0015356.
Hereditary diffuse gastric adenocarcinoma (HDGC). Also called: DIFFUSE GASTRIC AND LOBULAR BREAST CANCER SYNDROME. Identifiers: Orphanet 26106, MedGen C1708349, MONDO:0007648, OMIM 137215.

Allele frequency attached by ClinVar (database versions not stated): gnomAD exomes below 0.00001; TOPMed 0.00001; gnomAD 0.00004.
gnomAD v4.1: 10 of 1,613,628 alleles (0.00062%); highest among the groups gnomAD compares: Admixed American, 0.0067%; no homozygotes.

Submissions (5):

Labcorp Genetics (formerly Invitae), Labcorp
Classification: Uncertain significance for Hereditary diffuse gastric adenocarcinoma. Last evaluated: 2026-01-13. Review status: criteria provided, single submitter. Criteria: Invitae Variant Classification Sherloc (09022015). Collection method: clinical testing. Allele origin: germline.
Comment: This sequence change replaces alanine, which is neutral and non-polar, with serine, which is neutral and polar, at codon 563 of the CDH1 protein (p.Ala563Ser). This variant is not present in population databases (gnomAD no frequency). This missense change has been observed in individual(s) with CDH1-related conditions (PMID: 36436516). ClinVar contains an entry for this variant (Variation ID: 141834). An algorithm developed to predict the effect of missense changes on protein structure and function (PolyPhen-2) suggests that this variant is likely to be disruptive. In summary, the available evidence is currently insufficient to determine the role of this variant in disease. Therefore, it has been classified as a Variant of Uncertain Significance.

Ambry Genetics
Classification: Uncertain significance for Hereditary cancer-predisposing syndrome. Last evaluated: 2025-04-17. Review status: criteria provided, single submitter. Criteria: Ambry Variant Classification Scheme 2023. Collection method: clinical testing. Allele origin: germline.
Comment: The p.A563S variant (also known as c.1687G>T), located in coding exon 11 of the CDH1 gene, results from a G to T substitution at nucleotide position 1687. The alanine at codon 563 is replaced by serine, an amino acid with similar properties. This amino acid position is well conserved in available vertebrate species. In addition, this alteration is predicted to be tolerated by in silico analysis. Since supporting evidence is limited at this time, the clinical significance of this alteration remains unclear.

GeneDx
Classification: Uncertain significance. Last evaluated: 2024-03-25. Review status: criteria provided, single submitter. Criteria: GeneDx Variant Classification Process June 2021. Collection method: clinical testing. Allele origin: germline. Affected: yes.
Comment: Not observed at significant frequency in large population cohorts (gnomAD); In silico analysis supports that this missense variant does not alter protein structure/function; Observed in individual(s) with a family history of breast cancer (PMID: 36436516); This variant is associated with the following publications: (PMID: 15235021, 22850631, 36436516)

European Reference Network on Genetic Tumour Risk Syndromes (ERN-GENTURIS), i3s - Instituto de Investigação e Inovação em Saúde, University of Porto
Classification: Uncertain significance for Hereditary diffuse gastric adenocarcinoma. Last evaluated: 2022-08-01. Review status: criteria provided, single submitter. Criteria: Lee et al. (Hum Mutat. 2018). Collection method: clinical testing. Allele origin: germline. Inheritance: Autosomal dominant inheritance. Affected: no. Study: ERN GENTURIS.
Comment: PM2 (PMID: 30311375)

Color Diagnostics, LLC DBA Color Health
Classification: Uncertain significance for Hereditary cancer-predisposing syndrome. Last evaluated: 2019-04-05. Review status: criteria provided, single submitter. Criteria: ACMG Guidelines, 2015. Collection method: clinical testing. Allele origin: germline.

Literature cited by the submitters: PubMed 36436516 (cited by Labcorp Genetics (formerly Invitae), Labcorp and European Reference Network on Genetic Tumour Risk Syndromes (ERN-GENTURIS), i3s - Instituto de Investigação e Inovação em Saúde, University of Porto).

NM_004360.5(CDH1):c.1687G>T (p.Ala563Ser)

Gene: CDH1 (cadherin 1; plus strand). Cytogenetic location: 16q22.1.
Variant type: single nucleotide variant.
Coding change: c.1687G>T on transcript NM_004360.5 (MANE Select); coding-DNA position 1687, G replaced by T.
Protein change: p.Ala563Ser; replaces alanine 563 with serine.
Molecular consequence: missense variant. On other transcripts: intron variant (1).
Genome position (GRCh38, 1-based): chr16:68,819,401, G>T. VCF-style: chr16-68819401-G-T. GRCh37 (hg19) VCF-style: chr16-68853304-G-T.
Other names: p.A563S:GCC>TCC; c.1687G>T (LRG_301t1); c.1504G>T, p.Ala502Ser (NM_001317184.2); c.139G>T, p.Ala47Ser (NM_001317185.2); c.-254-2600G>T (NM_001317186.2); short protein forms A563S, A47S, A502S.
Identifiers: ClinVar variation 141834 (VCV000141834.19), dbSNP rs587782044, ClinGen allele CA294205.